The following is an entry in ClinVar:

ClinVar aggregate classification (germline): Benign (0 of 4 stars; one submission).

Conditions:
HLA-B-related disorder. Also called: HLA-B-related condition.

Allele frequency attached by ClinVar (database versions not stated): 1000 Genomes Project 30x 0.18426; ESP Exome Variant Server 0.20654; 1000 Genomes Project 0.26538.

Submission:

PreventionGenetics, part of Exact Sciences
Classification: Benign for HLA-B-related condition. Last evaluated: 2020-12-17. Review status: no assertion criteria provided. Collection method: clinical testing. Allele origin: germline.
Comment: This variant is classified as benign based on ACMG/AMP sequence variant interpretation guidelines (Richards et al. 2015 PMID: 25741868, with internal and published modifications).

NM_005514.8(HLA-B):c.419A>C (p.Tyr140Ser)

Gene: HLA-B (major histocompatibility complex, class I, B; minus strand). Cytogenetic location: 6p21.33.
Variant type: single nucleotide variant.
Coding change: c.419A>C on transcript NM_005514.8 (MANE Select); coding-DNA position 419, A replaced by C.
Protein change: p.Tyr140Ser; replaces tyrosine 140 with serine.
Molecular consequence: missense variant.
Genome position (GRCh38, 1-based): chr6:31,356,367, T>G on the plus strand (A>C on the coding strand, the complement: HLA-B is on the minus strand). VCF-style: chr6-31356367-T-G. GRCh37 (hg19) VCF-style: chr6-31324144-T-G.
Other names: short protein forms Y140S.
Identifiers: ClinVar variation 3060941 (VCV003060941.2), dbSNP rs4997052, ClinGen allele CA3711587.